The following is an entry in ClinVar:

ClinVar aggregate classification (germline): Uncertain significance. Review status: criteria provided, multiple submitters, no conflicts (2 of 4 stars). 5 submissions from 5 submitters: Uncertain significance (4). 1 of the submissions does not count toward it. Last evaluated 2024-09-04.

Conditions:
Inborn genetic diseases. Identifiers: MedGen C0950123, MeSH D030342.
Neuronal ceroid lipofuscinosis. Also called: Neuronal Ceroid Lipofuscinoses. Identifiers: Orphanet 216, Orphanet 79263, MedGen C0027877, MONDO:0016295. Disease mechanism: loss of function.

Allele frequency attached by ClinVar (database versions not stated): 1000 Genomes Project 30x 0.00016; TOPMed 0.00017; 1000 Genomes Project 0.00020; ESP Exome Variant Server 0.00023; gnomAD 0.00024 and 0.00027.

Submissions (5):

Blueprint Genetics
Classification: Uncertain significance. Last evaluated: 2024-09-04. Review status: criteria provided, single submitter. Criteria: ACMG Guidelines, 2015. Collection method: clinical testing. Allele origin: germline.

Ambry Genetics
Classification: Uncertain significance for Inborn genetic diseases. Last evaluated: 2024-08-19. Review status: criteria provided, single submitter. Criteria: Ambry Variant Classification Scheme 2023. Collection method: clinical testing. Allele origin: germline.

GeneDx
Classification: Uncertain significance. Last evaluated: 2024-06-18. Review status: criteria provided, single submitter. Criteria: GeneDx Variant Classification Process June 2021. Collection method: clinical testing. Allele origin: germline. Affected: yes.
Comment: In silico analysis indicates that this missense variant does not alter protein structure/function; Has not been previously published as pathogenic or benign to our knowledge

Labcorp Genetics (formerly Invitae), Labcorp
Classification: Uncertain significance for Neuronal ceroid lipofuscinosis. Last evaluated: 2022-10-24. Review status: criteria provided, single submitter. Criteria: Invitae Variant Classification Sherloc (09022015). Collection method: clinical testing. Allele origin: germline.
Comment: This sequence change replaces valine, which is neutral and non-polar, with isoleucine, which is neutral and non-polar, at codon 38 of the CLN8 protein (p.Val38Ile). This variant is present in population databases (rs370199508, gnomAD 0.05%). This variant has not been reported in the literature in individuals affected with CLN8-related conditions. ClinVar contains an entry for this variant (Variation ID: 420346). Advanced modeling of protein sequence and biophysical properties (such as structural, functional, and spatial information, amino acid conservation, physicochemical variation, residue mobility, and thermodynamic stability) performed at Invitae indicates that this missense variant is not expected to disrupt CLN8 protein function. In summary, the available evidence is currently insufficient to determine the role of this variant in disease. Therefore, it has been classified as a Variant of Uncertain Significance.

Natera, Inc.
Classification: Uncertain significance for Neuronal ceroid lipofuscinosis. Last evaluated: 2019-10-28. Review status: no assertion criteria provided. Collection method: clinical testing. Allele origin: germline. Not counted in ClinVar's aggregate classification.

NM_018941.4(CLN8):c.112G>A (p.Val38Ile)

Gene: CLN8 (CLN8 transmembrane ER and ERGIC protein; plus strand). Cytogenetic location: 8p23.3.
Variant type: single nucleotide variant.
Coding change: c.112G>A on transcript NM_018941.4 (MANE Select); coding-DNA position 112, G replaced by A.
Protein change: p.Val38Ile; replaces valine 38 with isoleucine.
Molecular consequence: missense variant.
Genome position (GRCh38, 1-based): chr8:1,771,166, G>A. VCF-style: chr8-1771166-G-A. GRCh37 (hg19) VCF-style: chr8-1719332-G-A.
Other names: short protein forms V38I.
Identifiers: ClinVar variation 420346 (VCV000420346.11), dbSNP rs370199508, ClinGen allele CA4599201.
Genomic context (GRCh38, chr8:1,771,166, plus strand): 5'-TATGCATCCTGGGGGATCCGCTCCACGCTGATGGTCGCTGGCTTTGTCTTCTACTTGGGC[G>A]TCTTTGTGGTCTGCCACCAGCTGTCCTCTTCCCTGAATGCCACTTACCGTTCTTTGGTGG-3'
Protein context (NP_061764.2, residues 28-48): MVAGFVFYLG[Val38Ile]FVVCHQLSSS